The following is an entry in ClinVar:

NM_000059.4(BRCA2):c.7008-14del

Gene: BRCA2 (BRCA2 DNA repair associated; plus strand). Cytogenetic location: 13q13.1.
Variant type: Deletion.
Coding change: c.7008-14del on transcript NM_000059.4 (MANE Select); 14 bases into the intron before coding-DNA position 7008, one base deleted (T; older notation c.7008-14delT).
Molecular consequence: intron variant.
Genome position (GRCh38, 1-based): chr13:32,354,847, T deleted; the last of 4 consecutive T bases (chr13:32,354,844-32,354,847); deleting any one gives the same sequence. VCF-style (leftmost placement, unchanged base first): chr13-32354843-AT-A. GRCh37 (hg19) VCF-style: chr13-32928980-AT-A.
Other names: c.7008-14delT (NM_000059.3, NM_000059.4).
Identifiers: ClinVar variation 419930 (VCV000419930.16), dbSNP rs1064794191, ClinGen allele CA16619756.

ClinVar aggregate classification (germline): Conflicting classifications of pathogenicity. Review status: criteria provided, conflicting classifications (1 of 4 stars). 5 submissions from 5 submitters: Uncertain significance (1); Likely benign (4). Last evaluated 2025-11-05.

Conditions:
Hereditary cancer-predisposing syndrome. Also called: Neoplastic Syndromes, Hereditary; Tumor predisposition; Hereditary Cancer Syndrome; Hereditary neoplastic syndrome. Identifiers: Orphanet 140162, MedGen C0027672, MeSH D009386, MONDO:0015356.
Hereditary breast ovarian cancer syndrome. Also called: BRCA1- and BRCA2-Associated Hereditary Breast and Ovarian Cancer; Hereditary breast and ovarian cancer syndrome; Breast and ovarian cancer; Hereditary breast and ovarian cancer; Hereditary breast and ovarian cancer syndrome (HBOC); Hereditary breast and/or ovarian cancer syndrome. Identifiers: Orphanet 145, MedGen C0677776, MeSH D061325, MONDO:0003582. Disease mechanism: loss of function.
BRCA2-related cancer predisposition. Identifiers: MedGen CN377758, MONDO:0700269.

Submissions (5):

Labcorp Genetics (formerly Invitae), Labcorp
Classification: Likely benign for Hereditary breast ovarian cancer syndrome. Last evaluated: 2025-11-05. Review status: criteria provided, single submitter. Criteria: Invitae Variant Classification Sherloc (09022015). Collection method: clinical testing. Allele origin: germline.

Hema, HEMA – Genetic and Molecular Diagnostic Laboratory
Classification: Uncertain significance for BRCA2-related cancer predisposition. Last evaluated: 2025-09-14. Review status: criteria provided, single submitter. Criteria: HEMA Variant Classification Assertion Criteria. Collection method: clinical testing. Allele origin: germline.
Comment: It is a deletion of a thymine nucleotide in the acceptor splicing region of intron 13 of the BRCA2 gene. BP4: According to the splicing predictor SpliceAI, the variant does not alter splicing (Δ score = 0.02 ≤ 0.1).

Women's Health and Genetics/Laboratory Corporation of America, LabCorp
Classification: Likely benign. Last evaluated: 2024-12-18. Review status: criteria provided, single submitter. Criteria: LabCorp Variant Classification Summary - May 2015. Collection method: clinical testing. Allele origin: germline.
Comment: Variant summary: BRCA2 c.7008-14delT alters a nucleotide located at a position not widely known to affect splicing. Consensus agreement among computation tools predict no significant impact on normal splicing. However, these predictions have yet to be confirmed by functional studies. The variant allele was found at a frequency of 6.8e-07 in 1477592 control chromosomes (gnomAD v4.1). The available data on variant occurrences in the general population are insufficient to allow any conclusion about variant significance. To our knowledge, no occurrence of c.7008-14delT in individuals affected with Hereditary Breast And Ovarian Cancer Syndrome and no experimental evidence demonstrating its impact on protein function have been reported. ClinVar contains an entry for this variant (Variation ID: 419930). Based on the evidence outlined above, the variant was classified as likely benign.

Color Diagnostics, LLC DBA Color Health
Classification: Likely benign for Hereditary cancer-predisposing syndrome. Last evaluated: 2017-02-16. Review status: criteria provided, single submitter. Criteria: ACMG Guidelines, 2015. Collection method: clinical testing. Allele origin: germline.

GeneDx
Classification: Likely benign. Last evaluated: 2015-10-22. Review status: criteria provided, single submitter. Criteria: GeneDx Variant Classification (06012015). Collection method: clinical testing. Allele origin: germline. Affected: yes.
Comment: This variant is considered likely benign or benign based on one or more of the following criteria: it is a conservative change, it occurs at a poorly conserved position in the protein, it is predicted to be benign by multiple in silico algorithms, and/or has population frequency not consistent with disease.